The following is an entry in ClinVar:

NM_001080517.3(SETD5):c.2717A>G (p.Gln906Arg)

Gene: SETD5 (SET domain containing 5; plus strand). Cytogenetic location: 3p25.3.
Variant type: single nucleotide variant.
Coding change: c.2717A>G on transcript NM_001080517.3 (MANE Select); coding-DNA position 2717, A replaced by G.
Protein change: p.Gln906Arg; replaces glutamine 906 with arginine.
Molecular consequence: missense variant.
Genome position (GRCh38, 1-based): chr3:9,464,665, A>G. VCF-style: chr3-9464665-A-G. GRCh37 (hg19) VCF-style: chr3-9506349-A-G.
Other names: c.2423A>G, p.Gln808Arg (NM_001292043.2, NM_001349451.2); short protein forms Q808R, Q906R.
Identifiers: ClinVar variation 2305524 (VCV002305524.2), dbSNP rs1396515260, ClinGen allele CA351708583.
Genomic context (GRCh38, chr3:9,464,665, plus strand): 5'-GCCTCATGTTTTCACCAGTCACATCTCTTACTACTGCTAGTCGCTGCAACACTCCTCTAC[A>G]GTTTGAGGTGATTTGGGTTTGGTTGCTGGGAGTGCTGGATATGAAAATCATCATTTGTAC-3'
Protein context (NP_001073986.1, residues 896-916): TTASRCNTPL[Gln906Arg]FELCHRKDLD

ClinVar aggregate classification (germline): Uncertain significance (1 of 4 stars; one submission).

Conditions:
Inborn genetic diseases. Identifiers: MedGen C0950123, MeSH D030342.

Allele frequency attached by ClinVar (database versions not stated): gnomAD exomes below 0.00001; gnomAD 0.00001.
gnomAD v4.1: 2 of 1,613,838 alleles (0.00012%); highest among the groups gnomAD compares: Non-Finnish European, 0.00017%; no homozygotes.

Submission:

Ambry Genetics
Classification: Uncertain significance for Inborn genetic diseases. Last evaluated: 2022-09-01. Review status: criteria provided, single submitter. Criteria: Ambry Variant Classification Scheme 2023. Collection method: clinical testing. Allele origin: germline.
Comment: The c.2717A>G (p.Q906R) alteration is located in exon 18 (coding exon 16) of the SETD5 gene. This alteration results from an A to G substitution at nucleotide position 2717, causing the glutamine (Q) at amino acid position 906 to be replaced by an arginine (R). This variant was not reported in population-based cohorts in the Genome Aggregation Database (gnomAD). This amino acid position is highly conserved in available vertebrate species. The in silico prediction for this alteration is inconclusive. Based on insufficient or conflicting evidence, the clinical significance of this alteration remains unclear.